The following is an entry in ClinVar:

NM_016292.3(TRAP1):c.337A>G (p.Ile113Val)

Gene: TRAP1 (TNF receptor associated protein 1; minus strand). Cytogenetic location: 16p13.3.
Variant type: single nucleotide variant.
Coding change: c.337A>G on transcript NM_016292.3 (MANE Select); coding-DNA position 337, A replaced by G.
Protein change: p.Ile113Val; replaces isoleucine 113 with valine.
Molecular consequence: missense variant.
Genome position (GRCh38, 1-based): chr16:3,686,130, T>C on the plus strand (A>G on the coding strand, the complement: TRAP1 is on the minus strand). VCF-style: chr16-3686130-T-C. GRCh37 (hg19) VCF-style: chr16-3736131-T-C.
Other names: c.178A>G, p.Ile60Val (NM_001272049.2); short protein forms I113V, I60V.
Identifiers: ClinVar variation 4736939 (VCV004736939.1).

ClinVar aggregate classification (germline): Uncertain significance (1 of 4 stars; one submission).

gnomAD v4.1: 42 of 1,614,022 alleles (0.0026%); highest among the groups gnomAD compares: East Asian, 0.062%; no homozygotes.

Submission:

Labcorp Genetics (formerly Invitae), Labcorp
Classification: Uncertain significance. Last evaluated: 2025-07-22. Review status: criteria provided, single submitter. Criteria: Invitae Variant Classification Sherloc (09022015). Collection method: clinical testing. Allele origin: germline.
Comment: This sequence change replaces isoleucine, which is neutral and non-polar, with valine, which is neutral and non-polar, at codon 113 of the TRAP1 protein (p.Ile113Val). This variant is present in population databases (rs183661921, gnomAD 0.1%), and has an allele count higher than expected for a pathogenic variant. This variant has not been reported in the literature in individuals affected with TRAP1-related conditions. Invitae Evidence Modeling of protein sequence and biophysical properties (such as structural, functional, and spatial information, amino acid conservation, physicochemical variation, residue mobility, and thermodynamic stability) indicates that this missense variant is not expected to disrupt TRAP1 protein function with a negative predictive value of 80%. In summary, the available evidence is currently insufficient to determine the role of this variant in disease. Therefore, it has been classified as a Variant of Uncertain Significance.